The following is an entry in ClinVar:

ClinVar aggregate classification (germline): Uncertain significance. Review status: criteria provided, multiple submitters, no conflicts (2 of 4 stars). 4 submissions from 4 submitters: Uncertain significance (4). Last evaluated 2026-09-20.

Conditions:
Tietz syndrome (TADS). Also called: HYPOPIGMENTATION/DEAFNESS OF TIETZ; TIETZ ALBINISM-DEAFNESS SYNDROME; ALBINISM-DEAFNESS OF TIETZ. Identifiers: Orphanet 42665, MedGen C0391816, MONDO:0007077, OMIM 103500.
Waardenburg syndrome type 2A (WS2A). Also called: WAARDENBURG SYNDROME WITHOUT DYSTOPIA CANTHORUM. Identifiers: Orphanet 3440, MedGen C1860339, MONDO:0008671, OMIM 193510.
Melanoma, cutaneous malignant, susceptibility to, 8. Also called: Cutaneous malignant melanoma 8; MELANOMA AND RENAL CELL CARCINOMA, SUSCEPTIBILITY TO. Identifiers: Orphanet 293822, MedGen C3152204, MONDO:0013759, OMIM 614456.
MITF-related disorder. Also called: MITF-related condition.
Hereditary cancer-predisposing syndrome. Also called: Tumor predisposition; Hereditary neoplastic syndrome; Hereditary Cancer Syndrome; Neoplastic Syndromes, Hereditary. Identifiers: Orphanet 140162, MedGen C0027672, MeSH D009386, MONDO:0015356.

Allele frequency attached by ClinVar (database versions not stated): TOPMed below 0.00001; ExAC 0.00001; gnomAD exomes 0.00001; gnomAD 0.00002.
gnomAD v4.1: 15 of 1,613,890 alleles (0.00093%); highest among the groups gnomAD compares: Admixed American, 0.0067%; no homozygotes.

Submissions (4):

PreventionGenetics, part of Exact Sciences
Classification: Uncertain significance for MITF-related condition. Last evaluated: 2026-09-20. Review status: criteria provided, single submitter. Criteria: ACMG Guidelines, 2015. Collection method: clinical testing. Allele origin: germline.
Comment: The MITF c.329G>A variant is predicted to result in the amino acid substitution p.Arg110Gln. To our knowledge, this variant has not been reported in the literature. This variant is reported in 0.0085% of alleles in individuals of Latino descent in gnomAD. At this time, the clinical significance of this variant is uncertain due to the absence of conclusive functional and genetic evidence.

Labcorp Genetics (formerly Invitae), Labcorp
Classification: Uncertain significance for Melanoma, cutaneous malignant, susceptibility to, 8; Waardenburg syndrome type 2A; Tietz syndrome. Last evaluated: 2025-12-23. Review status: criteria provided, single submitter. Criteria: Invitae Variant Classification Sherloc (09022015). Collection method: clinical testing. Allele origin: germline.
Comment: This sequence change replaces arginine, which is basic and polar, with glutamine, which is neutral and polar, at codon 110 of the MITF protein (p.Arg110Gln). This variant is present in population databases (rs747126448, gnomAD 0.009%). This variant has not been reported in the literature in individuals affected with MITF-related conditions. ClinVar contains an entry for this variant (Variation ID: 1809824). An algorithm developed to predict the effect of missense changes on protein structure and function (PolyPhen-2) suggests that this variant is likely to be tolerated. In summary, the available evidence is currently insufficient to determine the role of this variant in disease. Therefore, it has been classified as a Variant of Uncertain Significance.

Ambry Genetics
Classification: Uncertain significance for Hereditary cancer-predisposing syndrome. Last evaluated: 2024-11-23. Review status: criteria provided, single submitter. Criteria: Ambry Variant Classification Scheme 2023. Collection method: clinical testing. Allele origin: germline.
Comment: The p.R110Q variant (also known as c.329G>A), located in coding exon 3 of the MITF gene, results from a G to A substitution at nucleotide position 329. The arginine at codon 110 is replaced by glutamine, an amino acid with highly similar properties. This amino acid position is conserved. In addition, the in silico prediction for this alteration is inconclusive. Based on the available evidence, the clinical significance of this variant remains unclear.

GeneDx
Classification: Uncertain significance. Last evaluated: 2023-11-27. Review status: criteria provided, single submitter. Criteria: GeneDx Variant Classification Process June 2021. Collection method: clinical testing. Allele origin: germline. Affected: yes.
Comment: In silico analysis supports that this missense variant does not alter protein structure/function; Has not been previously published as pathogenic or benign to our knowledge

NM_001354604.2(MITF):c.650G>A (p.Arg217Gln)

Gene: MITF (melanocyte inducing transcription factor; plus strand). Cytogenetic location: 3p13.
Variant type: single nucleotide variant.
Coding change: c.650G>A on transcript NM_001354604.2 (MANE Select); coding-DNA position 650, G replaced by A.
Protein change: p.Arg217Gln; replaces arginine 217 with glutamine.
Molecular consequence: missense variant.
Genome position (GRCh38, 1-based): chr3:69,939,165, G>A. VCF-style: chr3-69939165-G-A. GRCh37 (hg19) VCF-style: chr3-69988316-G-A.
Other names: c.329G>A, p.Arg110Gln (NM_000248.4, NM_198158.3); c.494G>A, p.Arg165Gln (NM_001184967.2, NM_001354608.2); c.647G>A, p.Arg216Gln (NM_001354605.2, NM_001354606.2, NM_006722.3); c.599G>A, p.Arg200Gln (NM_001354607.2); c.650G>A, p.Arg217Gln (NM_198159.3); c.602G>A, p.Arg201Gln (NM_198177.3); c.161G>A, p.Arg54Gln (NM_198178.3); short protein forms R110Q, R165Q, R200Q, R201Q, R216Q, R217Q, R54Q.
Identifiers: ClinVar variation 1809824 (VCV001809824.11), dbSNP rs747126448, ClinGen allele CA2490410.
Genomic context (GRCh38, chr3:69,939,165, plus strand): 5'-ATAAGTTTGAAGAGCAAAACAGGGCAGAGAGCGAGTGCCCAGGCATGAACACACATTCAC[G>A]AGCGTCCTGTATGCAGGTACTGAATGACTTGGCAGCCTGAGGATGAACACTTTGTAATGA-3'
Protein context (NP_001341533.1, residues 207-227): SECPGMNTHS[Arg217Gln]ASCMQMDDVI